The following is an entry in ClinVar:

ClinVar aggregate classification (germline): Uncertain significance (1 of 4 stars; one submission).

Submission:

GeneDx
Classification: Uncertain significance. Last evaluated: 2019-09-30. Review status: criteria provided, single submitter. Criteria: GeneDx Variant Classification Process June 2021. Collection method: clinical testing. Allele origin: germline. Affected: yes.
Comment: Not observed in large population cohorts (Lek et al., 2016); In silico analysis, which includes protein predictors and evolutionary conservation, supports a deleterious effect; Has not been previously published as pathogenic or benign to our knowledge

NM_018896.5(CACNA1G):c.1085T>G (p.Phe362Cys)

Gene: CACNA1G (calcium voltage-gated channel subunit alpha1 G; plus strand). Cytogenetic location: 17q21.33.
Variant type: single nucleotide variant.
Coding change: c.1085T>G on transcript NM_018896.5 (MANE Select); coding-DNA position 1085, T replaced by G.
Protein change: p.Phe362Cys; replaces phenylalanine 362 with cysteine.
Molecular consequence: missense variant. On other transcripts: non-coding transcript variant (5).
Genome position (GRCh38, 1-based): chr17:50,573,058, T>G. VCF-style: chr17-50573058-T-G. GRCh37 (hg19) VCF-style: chr17-48650419-T-G.
Other names: c.1085T>G, p.Phe362Cys (NM_001256324.2, NM_001256325.2, NM_001256326.2 and 24 more transcripts); short protein forms F362C.
Identifiers: ClinVar variation 1308818 (VCV001308818.2), dbSNP rs2144775484, ClinGen allele CA400233345.